The following is an entry in ClinVar:

ClinVar aggregate classification (germline): Uncertain significance. Review status: criteria provided, multiple submitters, no conflicts (2 of 4 stars). 4 submissions from 4 submitters: Uncertain significance (3). 1 of the submissions does not count toward it. Last evaluated 2026-01-20.

Conditions:
SLX4-related disorder. Also called: SLX4-related condition.
Fanconi anemia complementation group P. Also called: SLX4-Related Fanconi Anemia. Identifiers: Orphanet 84, MedGen C3469542, MONDO:0013499, OMIM 613951.
Fanconi anemia (FA). Also called: Fanconi's anemia. Identifiers: Orphanet 84, MedGen C0015625, MeSH D005199, MONDO:0019391.

Allele frequency attached by ClinVar (database versions not stated): gnomAD exomes 0.00003 and 0.00016; gnomAD 0.00004 and 0.00005; TOPMed 0.00006; ExAC 0.00017; 1000 Genomes Project 30x 0.00062; 1000 Genomes Project 0.00080.
gnomAD v4.1: 50 of 1,614,172 alleles (0.0031%); highest among the groups gnomAD compares: East Asian, 0.078%; no homozygotes.

Submissions (4):

Labcorp Genetics (formerly Invitae), Labcorp
Classification: Uncertain significance for Fanconi anemia. Last evaluated: 2026-01-20. Review status: criteria provided, single submitter. Criteria: Invitae Variant Classification Sherloc (09022015). Collection method: clinical testing. Allele origin: germline.
Comment: This sequence change replaces arginine, which is basic and polar, with cysteine, which is neutral and slightly polar, at codon 1589 of the SLX4 protein (p.Arg1589Cys). This variant is present in population databases (rs181782315, gnomAD 0.2%), including at least one homozygous and/or hemizygous individual. This missense change has been observed in individual(s) with aplastic anemia (PMID: 36622392). ClinVar contains an entry for this variant (Variation ID: 456329). An algorithm developed to predict the effect of missense changes on protein structure and function (PolyPhen-2) suggests that this variant is likely to be disruptive. In summary, the available evidence is currently insufficient to determine the role of this variant in disease. Therefore, it has been classified as a Variant of Uncertain Significance.

Fulgent Genetics
Classification: Uncertain significance for Fanconi anemia complementation group P. Last evaluated: 2024-05-23. Review status: criteria provided, single submitter. Criteria: ACMG Guidelines, 2015. Collection method: clinical testing. Allele origin: germline.

Blueprint Genetics
Classification: Uncertain significance. Last evaluated: 2023-11-08. Review status: criteria provided, single submitter. Criteria: ACMG Guidelines, 2015. Collection method: clinical testing. Allele origin: germline.

PreventionGenetics, part of Exact Sciences
Classification: Likely benign for SLX4-related condition. Last evaluated: 2023-07-14. Review status: no assertion criteria provided. Collection method: clinical testing. Allele origin: germline. Not counted in ClinVar's aggregate classification.
Comment: This variant is classified as likely benign based on ACMG/AMP sequence variant interpretation guidelines (Richards et al. 2015 PMID: 25741868, with internal and published modifications).

Literature cited by the submitters: PubMed 36622392 (cited by Labcorp Genetics (formerly Invitae), Labcorp).

NM_032444.4(SLX4):c.4765C>T (p.Arg1589Cys)

Gene: SLX4 (SLX4 structure-specific endonuclease subunit; minus strand). Cytogenetic location: 16p13.3.
Variant type: single nucleotide variant.
Coding change: c.4765C>T on transcript NM_032444.4 (MANE Select); coding-DNA position 4765, C replaced by T.
Protein change: p.Arg1589Cys; replaces arginine 1589 with cysteine.
Molecular consequence: missense variant.
Genome position (GRCh38, 1-based): chr16:3,583,485, G>A on the plus strand (C>T on the coding strand, the complement: SLX4 is on the minus strand). VCF-style: chr16-3583485-G-A. GRCh37 (hg19) VCF-style: chr16-3633486-G-A.
Other names: c.4765C>T (LRG_503t1, NM_032444.3); short protein forms R1589C.
Identifiers: ClinVar variation 456329 (VCV000456329.16), dbSNP rs181782315, ClinGen allele CA7865511.